The following is an entry in ClinVar:

ClinVar aggregate classification (germline): Uncertain significance (1 of 4 stars; one submission).

Conditions:
Neuroblastoma, susceptibility to, 3. Also called: ALK-Related Neuroblastic Tumor Susceptibility. Identifiers: Orphanet 635, MedGen C2751681, MONDO:0013083, OMIM 613014.

Submission:

Labcorp Genetics (formerly Invitae), Labcorp
Classification: Uncertain significance for Neuroblastoma, susceptibility to, 3. Last evaluated: 2021-01-24. Review status: criteria provided, single submitter. Criteria: Invitae Variant Classification Sherloc (09022015). Collection method: clinical testing. Allele origin: germline.
Comment: This variant is not present in population databases (ExAC no frequency). This sequence change affects codon 962 of the ALK mRNA. It is a 'silent' change, meaning that it does not change the encoded amino acid sequence of the ALK protein. This variant has not been reported in the literature in individuals with ALK-related disease. In summary, the available evidence is currently insufficient to determine the role of this variant in disease. Therefore, it has been classified as a Variant of Uncertain Significance. Algorithms developed to predict the effect of sequence changes on RNA splicing suggest that this variant may create or strengthen a splice site, but this prediction has not been confirmed by published transcriptional studies.

NM_004304.5(ALK):c.2886G>A (p.Leu962=)

Gene: ALK (ALK receptor tyrosine kinase; minus strand). Cytogenetic location: 2p23.2.
Variant type: single nucleotide variant.
Coding change: c.2886G>A on transcript NM_004304.5 (MANE Select); coding-DNA position 2886, G replaced by A.
Protein change: p.Leu962=; no amino-acid change (leucine 962 retained).
Molecular consequence: synonymous variant.
Genome position (GRCh38, 1-based): chr2:29,227,602, C>T on the plus strand (G>A on the coding strand, the complement: ALK is on the minus strand). VCF-style: chr2-29227602-C-T. GRCh37 (hg19) VCF-style: chr2-29450468-C-T.
Identifiers: ClinVar variation 659472 (VCV000659472.8), dbSNP rs1573132628, ClinGen allele CA425436122.